The following is an entry in ClinVar:

ClinVar aggregate classification (germline): Likely pathogenic. Review status: criteria provided, multiple submitters, no conflicts (2 of 4 stars). 3 submissions from 3 submitters: Likely pathogenic (2). 1 of the submissions does not count toward it. Last evaluated 2026-06-09.

Conditions:
Dilated cardiomyopathy 1G (CMD1G). Identifiers: Orphanet 154, MedGen C1858763, MONDO:0011400, OMIM 604145.

Submissions (3):

Victorian Clinical Genetics Services, Murdoch Childrens Research Institute
Classification: Likely pathogenic for Dilated cardiomyopathy 1G. Last evaluated: 2026-06-09. Review status: criteria provided, single submitter. Criteria: ACMG Guidelines, 2015. Collection method: clinical testing. Allele origin: germline.
Comment: This variant is classified as Likely pathogenic. Evidence in support of pathogenic classification: Variant is predicted to cause nonsense-mediated decay (NMD) and loss of protein (premature termination codon is located at least 54 nucleotides upstream of the final exon-exon junction); An alternative nucleotide change resulting in the same protein outcome is present in gnomAD <0.01 (v4: 1 heterozygote(s), 0 homozygote(s)); This variant has moderate previous evidence of pathogenicity in unrelated individuals. This variant and an alternative nucleotide change resulting in the same protein outcome have been classified as likely pathogenic and pathogenic in ClinVar. This variant has also been reported in the literature in an individual from a cohort with cardiomyopathy (PMID: 39844436); Other NMD-predicted variants comparable to the one identified in this case have strong previous evidence for pathogenicity (ClinVar). Additional information: This variant is heterozygous; This gene is associated with both recessive and dominant disease (OMIM); No published evidence of segregation with disease has been identified for this variant; No published functional evidence has been identified for this variant; Variant is located in the annotated A-band and the exon has a PSI score of 100% (PMID: 25589632); Loss of function is a known mechanism of disease in this gene. In addition, dominant negative is also a suggested mechanism (PMID: 25589632); The condition associated with this gene has incomplete penetrance. Variants in this gene that result in a premature termination codon (PTC) are known to have reduced penetrance in DCM (PMID: 25589632).

GeneDx
Classification: Likely pathogenic. Last evaluated: 2019-09-17. Review status: criteria provided, single submitter. Criteria: GeneDx Variant Classification Process June 2021. Collection method: clinical testing. Allele origin: germline. Affected: yes.
Comment: Has not been previously published as pathogenic or benign to our knowledge; Not observed in large population cohorts (Lek et al., 2016); Nonsense variant predicted to result in protein truncation or nonsense mediated decay in a gene for which loss-of-function is a known mechanism of disease; Located in the A-band region of titin, where the majority of truncating pathogenic variants associated with DCM have been reported (Herman et al., 2012)

Cardiogenetics and Myogenetics Molecular and Cellular Functional Unit, Aphp Sorbonne University-Hopital Pitie Salpetriere
Classification: Pathogenic for Dilated cardiomyopathy 1G. Last evaluated: 2024-01-06. Review status: no assertion criteria provided. Collection method: clinical testing. Allele origin: germline. Affected: yes. Not counted in ClinVar's aggregate classification.

Literature cited by the submitters: PubMed 39844436 (cited by Victorian Clinical Genetics Services, Murdoch Childrens Research Institute); PubMed 25589632 (cited by Victorian Clinical Genetics Services, Murdoch Childrens Research Institute).

NM_001267550.2(TTN):c.82548G>A (p.Trp27516Ter)

Genes: TTN (titin; minus strand), TTN-AS1 (TTN antisense RNA 1; plus strand). Cytogenetic location: 2q31.2.
Variant type: single nucleotide variant.
Coding change: c.82548G>A on transcript NM_001267550.2 (MANE Select); coding-DNA position 82548, G replaced by A.
Protein change: p.Trp27516Ter; replaces tryptophan 27516 with a stop codon.
Molecular consequence: nonsense.
Genome position (GRCh38, 1-based): chr2:178,563,584, C>T on the plus strand (G>A on the coding strand, the complement: TTN is on the minus strand). VCF-style: chr2-178563584-C-T. GRCh37 (hg19) VCF-style: chr2-179428311-C-T.
Other names: c.77625G>A, p.Trp25875Ter (NM_001256850.1); c.55353G>A, p.Trp18451Ter (NM_003319.4); c.74844G>A, p.Trp24948Ter (NM_133378.4); c.55728G>A, p.Trp18576Ter (NM_133432.3); c.55929G>A, p.Trp18643Ter (NM_133437.4); short protein forms W25875*, W27516*, W18576*, W18643*, W24948*, W18451*.
Identifiers: ClinVar variation 620510 (VCV000620510.5), dbSNP rs1559321340, ClinGen allele CA349572964.